The following is an entry in ClinVar:

NM_003200.5(TCF3):c.1207G>T (p.Val403Leu)

Gene: TCF3 (transcription factor 3; minus strand). Cytogenetic location: 19p13.3.
Variant type: single nucleotide variant.
Coding change: c.1207G>T on transcript NM_003200.5 (MANE Select); coding-DNA position 1207, G replaced by T.
Protein change: p.Val403Leu; replaces valine 403 with leucine.
Molecular consequence: missense variant.
Genome position (GRCh38, 1-based): chr19:1,619,435, C>A on the plus strand (G>T on the coding strand, the complement: TCF3 is on the minus strand). VCF-style: chr19-1619435-C-A. GRCh37 (hg19) VCF-style: chr19-1619434-C-A.
Other names: c.1207G>T, p.Val403Leu (NM_001136139.4, NM_001351779.2); c.1204G>T, p.Val402Leu (NM_001351778.2); short protein forms V402L, V403L.
Identifiers: ClinVar variation 1993430 (VCV001993430.3), dbSNP rs758863286, ClinGen allele CA403053362.

ClinVar aggregate classification (germline): Uncertain significance (1 of 4 stars; one submission).

gnomAD v4.1: 1 of 1,588,580 alleles (0.000063%); highest among the groups gnomAD compares: Non-Finnish European, 0.000085%; no homozygotes.

Submission:

Labcorp Genetics (formerly Invitae), Labcorp
Classification: Uncertain significance. Last evaluated: 2022-07-26. Review status: criteria provided, single submitter. Criteria: Invitae Variant Classification Sherloc (09022015). Collection method: clinical testing. Allele origin: germline.
Comment: In summary, the available evidence is currently insufficient to determine the role of this variant in disease. Therefore, it has been classified as a Variant of Uncertain Significance. Algorithms developed to predict the effect of sequence changes on RNA splicing suggest that this variant may create or strengthen a splice site. Algorithms developed to predict the effect of missense changes on protein structure and function are either unavailable or do not agree on the potential impact of this missense change (SIFT: "Not Available"; PolyPhen-2: "Probably Damaging"; Align-GVGD: "Not Available"). This variant has not been reported in the literature in individuals affected with TCF3-related conditions. This variant is not present in population databases (gnomAD no frequency). This sequence change replaces valine, which is neutral and non-polar, with leucine, which is neutral and non-polar, at codon 403 of the TCF3 protein (p.Val403Leu).